The following is an entry in ClinVar:

NM_001363.5(DKC1):c.1046T>C (p.Leu349Ser)

Gene: DKC1 (dyskerin pseudouridine synthase 1; plus strand). Cytogenetic location: Xq28.
Variant type: single nucleotide variant.
Coding change: c.1046T>C on transcript NM_001363.5 (MANE Select); coding-DNA position 1046, T replaced by C.
Protein change: p.Leu349Ser; replaces leucine 349 with serine.
Molecular consequence: missense variant. On other transcripts: non-coding transcript variant (3).
Genome position (GRCh38, 1-based): chrX:154,773,140, T>C. VCF-style: chrX-154773140-T-C. GRCh37 (hg19) VCF-style: chrX-154001415-T-C.
Other names: c.1046T>C, p.Leu349Ser (NM_001142463.3, NM_001288747.2); short protein forms L349S.
Identifiers: ClinVar variation 1775562 (VCV001775562.2), dbSNP rs2523699995, ClinGen allele CA414894932.

ClinVar aggregate classification (germline): Uncertain significance (1 of 4 stars; one submission).

Conditions:
Dyskeratosis congenita. Identifiers: Orphanet 1775, MedGen C0265965, MONDO:0015780.

Submission:

Ambry Genetics
Classification: Uncertain significance for Dyskeratosis congenita. Last evaluated: 2021-09-20. Review status: criteria provided, single submitter. Criteria: Ambry Variant Classification Scheme 2023. Collection method: clinical testing. Allele origin: germline.
Comment: The p.L349S variant (also known as c.1046T>C), located in coding exon 11 of the DKC1 gene, results from a T to C substitution at nucleotide position 1046. The leucine at codon 349 is replaced by serine, an amino acid with dissimilar properties. This amino acid position is conserved. In addition, this alteration is predicted to be deleterious by in silico analysis. Since supporting evidence is limited at this time, the clinical significance of this alteration remains unclear.